The following is an entry in ClinVar:

NM_006734.4(HIVEP2):c.7277A>G (p.Lys2426Arg)

Gene: HIVEP2 (HIVEP zinc finger 2; minus strand). Cytogenetic location: 6q24.2.
Variant type: single nucleotide variant.
Coding change: c.7277A>G on transcript NM_006734.4 (MANE Select); coding-DNA position 7277, A replaced by G.
Protein change: p.Lys2426Arg; replaces lysine 2426 with arginine.
Molecular consequence: missense variant.
Genome position (GRCh38, 1-based): chr6:142,753,171, T>C on the plus strand (A>G on the coding strand, the complement: HIVEP2 is on the minus strand). VCF-style: chr6-142753171-T-C. GRCh37 (hg19) VCF-style: chr6-143074308-T-C.
Other names: short protein forms K2426R.
Identifiers: ClinVar variation 2826133 (VCV002826133.3), dbSNP rs1774963428, ClinGen allele CA365940662.

ClinVar aggregate classification (germline): Uncertain significance (1 of 4 stars; one submission).

Allele frequency attached by ClinVar (database versions not stated): TOPMed below 0.00001; gnomAD exomes below 0.00001.
gnomAD v4.1: 1 of 1,613,978 alleles (0.000062%); highest among the groups gnomAD compares: Non-Finnish European, 0.000085%; no homozygotes.

Submission:

Labcorp Genetics (formerly Invitae), Labcorp
Classification: Uncertain significance. Last evaluated: 2025-09-02. Review status: criteria provided, single submitter. Criteria: Invitae Variant Classification Sherloc (09022015). Collection method: clinical testing. Allele origin: germline.
Comment: This sequence change replaces lysine, which is basic and polar, with arginine, which is basic and polar, at codon 2426 of the HIVEP2 protein (p.Lys2426Arg). This variant is not present in population databases (gnomAD no frequency). This variant has not been reported in the literature in individuals affected with HIVEP2-related conditions. This missense change has been observed in at least one individual who was not affected with HIVEP2-related conditions (internal data). ClinVar contains an entry for this variant (Variation ID: 2826133). An algorithm developed to predict the effect of missense changes on protein structure and function (PolyPhen-2) suggests that this variant is likely to be disruptive. In summary, the available evidence is currently insufficient to determine the role of this variant in disease. Therefore, it has been classified as a Variant of Uncertain Significance.